The following is an entry in ClinVar:

ClinVar aggregate classification (germline): Uncertain significance (1 of 4 stars; one submission).

Submission:

Women's Health and Genetics/Laboratory Corporation of America, LabCorp
Classification: Uncertain significance. Last evaluated: 2026-05-13. Review status: criteria provided, single submitter. Criteria: LabCorp Variant Classification Summary - May 2015. Collection method: clinical testing. Allele origin: germline.
Comment: Variant summary: ALPK1 c.2767A>G (p.Asn923Asp) results in a conservative amino acid change in the encoded protein sequence. Algorithms developed to predict the effect of missense changes on protein structure and function all suggest that this variant is likely to be tolerated. The variant was absent in 251312 control chromosomes. The available data on variant occurrences in the general population are insufficient to allow any conclusion about variant significance. To our knowledge, no occurrence of c.2767A>G in individuals affected with ALPK1-related conditions and no experimental evidence demonstrating its impact on protein function have been reported. No submitters have cited clinical-significance assessments for this variant to ClinVar. Based on the evidence outlined above, the variant was classified as uncertain significance.

NM_025144.4(ALPK1):c.2767A>G (p.Asn923Asp)

Gene: ALPK1 (alpha kinase 1; plus strand). Cytogenetic location: 4q25.
Variant type: single nucleotide variant.
Coding change: c.2767A>G on transcript NM_025144.4 (MANE Select); coding-DNA position 2767, A replaced by G.
Protein change: p.Asn923Asp; replaces asparagine 923 with aspartic acid.
Molecular consequence: missense variant.
Genome position (GRCh38, 1-based): chr4:112,432,314, A>G. VCF-style: chr4-112432314-A-G. GRCh37 (hg19) VCF-style: chr4-113353470-A-G.
Other names: c.2767A>G, p.Asn923Asp (NM_001102406.2); c.2533A>G, p.Asn845Asp (NM_001253884.2); short protein forms N845D, N923D.
Identifiers: ClinVar variation 4853114 (VCV004853114.1).